The following is an entry in ClinVar:

ClinVar aggregate classification (germline): Uncertain significance. Review status: criteria provided, multiple submitters, no conflicts (2 of 4 stars). 2 submissions from 2 submitters: Uncertain significance (2). Last evaluated 2025-02-08.

Conditions:
Inborn genetic diseases. Identifiers: MedGen C0950123, MeSH D030342.

Allele frequency attached by ClinVar (database versions not stated): gnomAD 0.00001; TOPMed 0.00002.

Submissions (2):

Ambry Genetics
Classification: Uncertain significance for Inborn genetic diseases. Last evaluated: 2025-02-08. Review status: criteria provided, single submitter. Criteria: Ambry Variant Classification Scheme 2023. Collection method: clinical testing. Allele origin: germline.

Labcorp Genetics (formerly Invitae), Labcorp
Classification: Uncertain significance. Last evaluated: 2021-11-19. Review status: criteria provided, single submitter. Criteria: Invitae Variant Classification Sherloc (09022015). Collection method: clinical testing. Allele origin: germline.
Comment: This sequence change replaces arginine, which is basic and polar, with lysine, which is basic and polar, at codon 62 of the PCLO protein (p.Arg62Lys). This variant is not present in population databases (gnomAD no frequency). This variant has not been reported in the literature in individuals affected with PCLO-related conditions. Algorithms developed to predict the effect of missense changes on protein structure and function are either unavailable or do not agree on the potential impact of this missense change (SIFT: "Tolerated"; PolyPhen-2: "Not Available"; Align-GVGD: "Class C0"). Algorithms developed to predict the effect of sequence changes on RNA splicing suggest that this variant may create or strengthen a splice site. In summary, the available evidence is currently insufficient to determine the role of this variant in disease. Therefore, it has been classified as a Variant of Uncertain Significance.

NM_033026.6(PCLO):c.185G>A (p.Arg62Lys)

Gene: PCLO (piccolo presynaptic cytomatrix protein; minus strand). Cytogenetic location: 7q21.11.
Variant type: single nucleotide variant.
Coding change: c.185G>A on transcript NM_033026.6 (MANE Select); coding-DNA position 185, G replaced by A.
Protein change: p.Arg62Lys; replaces arginine 62 with lysine.
Molecular consequence: missense variant.
Genome position (GRCh38, 1-based): chr7:83,162,408, C>T on the plus strand (G>A on the coding strand, the complement: PCLO is on the minus strand). VCF-style: chr7-83162408-C-T. GRCh37 (hg19) VCF-style: chr7-82791724-C-T.
Other names: c.185G>A, p.Arg62Lys (NM_014510.3); c.185G>A (NM_033026.5); short protein forms R62K.
Identifiers: ClinVar variation 1401928 (VCV001401928.4), dbSNP rs1241787799, ClinGen allele CA367922267.